The following is an entry in ClinVar:

NM_005912.3(MC4R):c.14C>A (p.Thr5Asn)

Gene: MC4R (melanocortin 4 receptor; minus strand). Cytogenetic location: 18q21.32.
Variant type: single nucleotide variant.
Coding change: c.14C>A on transcript NM_005912.3 (MANE Select); coding-DNA position 14, C replaced by A.
Protein change: p.Thr5Asn; replaces threonine 5 with asparagine.
Molecular consequence: missense variant.
Genome position (GRCh38, 1-based): chr18:60,372,336, G>T on the plus strand (C>A on the coding strand, the complement: MC4R is on the minus strand). VCF-style: chr18-60372336-G-T. GRCh37 (hg19) VCF-style: chr18-58039569-G-T.
Other names: short protein forms T5N.
Identifiers: ClinVar variation 917434 (VCV000917434.3), dbSNP rs752432398, ClinGen allele CA8981007.

ClinVar aggregate classification (germline): Uncertain significance. Review status: criteria provided, multiple submitters, no conflicts (2 of 4 stars). 2 submissions from 2 submitters: Uncertain significance (2). Last evaluated 2021-08-09.

Conditions:
BODY MASS INDEX QUANTITATIVE TRAIT LOCUS 20 (BMIQ20). Also called: MELANOCORTIN 4 RECEPTOR DEFICIENCY; MC4R DEFICIENCY. Identifiers: MedGen C4759928, OMIM 618406.
Monogenic diabetes. Identifiers: Orphanet 183625, MedGen C3888631, MONDO:0015967.

Allele frequency attached by ClinVar (database versions not stated): gnomAD exomes 0.00001; TOPMed below 0.00001 and 0.00001; ExAC 0.00002.
gnomAD v4.1: 19 of 1,614,110 alleles (0.0012%); highest among the groups gnomAD compares: Non-Finnish European, 0.0016%; no homozygotes.

Submissions (2):

Fulgent Genetics
Classification: Uncertain significance for BODY MASS INDEX QUANTITATIVE TRAIT LOCUS 20. Last evaluated: 2021-08-09. Review status: criteria provided, single submitter. Criteria: ACMG Guidelines, 2015. Collection method: clinical testing. Allele origin: unknown.

Personalized Diabetes Medicine Program, University of Maryland School of Medicine
Classification: Uncertain significance for Monogenic diabetes. Last evaluated: 2017-12-08. Review status: criteria provided, single submitter. Criteria: ACMG Guidelines, 2015. Collection method: research. Allele origin: unknown. Observed: 1 variant allele, 1 heterozygote.
Comment: ACMG criteria: PP3 (2 predictors), BP4 (8 predictors)=VUS